The following is an entry in ClinVar:

NM_006383.4(CIB2):c.-22G>A

Genes: CIB2 (calcium and integrin binding family member 2; minus strand), LOC130057683 (ATAC-STARR-seq lymphoblastoid silent region 6705; plus strand). Cytogenetic location: 15q25.1.
Variant type: single nucleotide variant.
Coding change: c.-22G>A on transcript NM_006383.4 (MANE Select); 22 bases upstream of the start codon, G replaced by A.
Molecular consequence: 5 prime UTR variant. On other transcripts: non-coding transcript variant (1).
Genome position (GRCh38, 1-based): chr15:78,131,237, C>T on the plus strand (G>A on the coding strand, the complement: CIB2 is on the minus strand). VCF-style: chr15-78131237-C-T. GRCh37 (hg19) VCF-style: chr15-78423579-C-T.
Other names: c.-116G>A (NM_001271888.2); c.-22G>A (NM_001271889.2, NM_001301224.2).
Identifiers: ClinVar variation 512694 (VCV000512694.1), dbSNP rs201655250, ClinGen allele CA7680409.

ClinVar aggregate classification (germline): Likely benign (1 of 4 stars; one submission).

Allele frequency attached by ClinVar (database versions not stated): ESP Exome Variant Server 0.00016; TOPMed 0.00043; gnomAD 0.00046; gnomAD exomes 0.00056; 1000 Genomes Project 0.00060; ExAC 0.00074; 1000 Genomes Project 30x 0.00109.
gnomAD v4.1: 876 of 1,485,566 alleles (0.059%); highest among the groups gnomAD compares: Admixed American, 0.13%; no homozygotes.

Submission:

GeneDx
Classification: Likely benign. Last evaluated: 2017-10-12. Review status: criteria provided, single submitter. Criteria: GeneDx Variant Classification (06012015). Collection method: clinical testing. Allele origin: germline. Affected: yes.
Comment: This variant is considered likely benign or benign based on one or more of the following criteria: it is a conservative change, it occurs at a poorly conserved position in the protein, it is predicted to be benign by multiple in silico algorithms, and/or has population frequency not consistent with disease.